The following is an entry in ClinVar:

ClinVar aggregate classification (germline): Likely benign. Review status: criteria provided, multiple submitters, no conflicts (2 of 4 stars). 4 submissions from 4 submitters: Likely benign (4). Last evaluated 2025-09-08.

Conditions:
Hereditary cancer-predisposing syndrome. Also called: Neoplastic Syndromes, Hereditary; Hereditary neoplastic syndrome; Hereditary Cancer Syndrome; Tumor predisposition. Identifiers: Orphanet 140162, MedGen C0027672, MeSH D009386, MONDO:0015356.
Hereditary breast ovarian cancer syndrome. Also called: Hereditary breast and ovarian cancer syndrome; Breast and ovarian cancer; Hereditary breast and ovarian cancer syndrome (HBOC); Hereditary breast and/or ovarian cancer syndrome; BRCA1- and BRCA2-Associated Hereditary Breast and Ovarian Cancer; Hereditary breast and ovarian cancer. Identifiers: Orphanet 145, MedGen C0677776, MeSH D061325, MONDO:0003582. Disease mechanism: loss of function.

Allele frequency attached by ClinVar (database versions not stated): TOPMed below 0.00001.

Submissions (5):

Color Diagnostics, LLC DBA Color Health
Classification: Likely benign for Hereditary cancer-predisposing syndrome. Last evaluated: 2025-09-08. Review status: criteria provided, single submitter. Criteria: ACMG Guidelines, 2015. Collection method: clinical testing. Allele origin: germline.

Labcorp Genetics (formerly Invitae), Labcorp
Classification: Likely benign for Hereditary breast ovarian cancer syndrome. Last evaluated: 2024-11-06. Review status: criteria provided, single submitter. Criteria: Invitae Variant Classification Sherloc (09022015). Collection method: clinical testing. Allele origin: germline.

Ambry Genetics
Classification: Likely benign for Hereditary cancer-predisposing syndrome. Last evaluated: 2019-10-06. Review status: criteria provided, single submitter. Criteria: Ambry Variant Classification Scheme 2023. Collection method: clinical testing. Allele origin: germline.

GeneDx
Classification: Likely benign. Last evaluated: 2015-10-10. Review status: criteria provided, single submitter. Criteria: GeneDx Variant Classification (06012015). Collection method: clinical testing. Allele origin: germline. Affected: yes.
Comment: This variant is considered likely benign or benign based on one or more of the following criteria: it is a conservative change, it occurs at a poorly conserved position in the protein, it is predicted to be benign by multiple in silico algorithms, and/or has population frequency not consistent with disease.

Brotman Baty Institute, University of Washington
No classification provided (evidence only). Condition: Breast-ovarian cancer, familial 1. Review status: no classification provided. Collection method: in vitro. Allele origin: not applicable. Functional consequence: functionally_normal. Not counted in ClinVar's aggregate classification.
ClinVar note: "not provided" was previously submitted as the classification for the variant. However, the classification appeared to be based only on an observation of functional data so it was converted to no classification on 2025-07-30.

NM_007294.4(BRCA1):c.5475G>A (p.Gly1825=)

Gene: BRCA1 (BRCA1 DNA repair associated; minus strand). Cytogenetic location: 17q21.31.
Variant type: single nucleotide variant.
Coding change: c.5475G>A on transcript NM_007294.4 (MANE Select); coding-DNA position 5475, G replaced by A.
Protein change: p.Gly1825=; no amino-acid change (glycine 1825 retained).
Molecular consequence: synonymous variant. On other transcripts: missense variant (17).
Genome position (GRCh38, 1-based): chr17:43,045,795, C>T on the plus strand (G>A on the coding strand, the complement: BRCA1 is on the minus strand). VCF-style: chr17-43045795-C-T. GRCh37 (hg19) VCF-style: chr17-41197812-C-T.
Other names: c.2154G>A, p.Gly718= (NM_001408409.1); c.2091G>A, p.Gly697= (NM_001408410.1); c.2088G>A, p.Gly696= (NM_001408411.1); c.2085G>A, p.Gly695= (NM_001408412.1, NM_001408413.1, NM_001408414.1 and 2 more transcripts); c.2049G>A, p.Gly683= (NM_001408418.1, NM_001408419.1, NM_001408420.1); c.2046G>A, p.Gly682= (NM_001408421.1, NM_001408422.1, NM_001408423.1 and 1 more transcripts); c.2043G>A, p.Gly681= (NM_001408425.1, NM_001408426.1, NM_001408427.1 and 4 more transcripts); c.2040G>A, p.Gly680= (NM_001408432.1, NM_001408433.1, NM_001408434.1 and 10 more transcripts); and 83 more; short protein forms A697T, A1754T, A1760T, A1800T, A696T, A1758T, A1759T, A1753T.
Identifiers: ClinVar variation 381060 (VCV000381060.15), dbSNP rs1057520941, ClinGen allele CA10590379.